The following is an entry in ClinVar:

ClinVar aggregate classification (germline): Uncertain significance. Review status: criteria provided, multiple submitters, no conflicts (2 of 4 stars). 5 submissions from 5 submitters: Uncertain significance (5). Last evaluated 2026-09-14.

Conditions:
CNGB1-related disorder. Also called: CNGB1-related condition.

Allele frequency attached by ClinVar (database versions not stated): gnomAD exomes 0.00006; ExAC 0.00007; TOPMed 0.00014; ESP Exome Variant Server 0.00016; gnomAD 0.00023 and 0.00024; 1000 Genomes Project 30x 0.00062; 1000 Genomes Project 0.00080.
gnomAD v4.1: 77 of 1,614,220 alleles (0.0048%); highest among the groups gnomAD compares: African/African-American, 0.092%; 1 homozygote.

Submissions (5):

PreventionGenetics, part of Exact Sciences
Classification: Uncertain significance for CNGB1-related condition. Last evaluated: 2026-09-14. Review status: criteria provided, single submitter. Criteria: ACMG Guidelines, 2015. Collection method: clinical testing. Allele origin: germline.
Comment: The CNGB1 c.1828G>A variant is predicted to result in the amino acid substitution p.Ala610Thr. To our knowledge, this variant has not been reported in the literature. This variant is present in 0.095% of alleles in individuals of African descent in gnomAD, which may be too common to be an unreported cause of disease. Although we suspect that this variant may be benign, at this time, the clinical significance of this variant is uncertain due to the absence of conclusive functional and genetic evidence.

Labcorp Genetics (formerly Invitae), Labcorp
Classification: Uncertain significance. Last evaluated: 2025-02-03. Review status: criteria provided, single submitter. Criteria: Invitae Variant Classification Sherloc (09022015). Collection method: clinical testing. Allele origin: germline.
Comment: This sequence change replaces alanine, which is neutral and non-polar, with threonine, which is neutral and polar, at codon 610 of the CNGB1 protein (p.Ala610Thr). This variant is present in population databases (rs201302946, gnomAD 0.09%). This missense change has been observed in individuals with CNGB1-related conditions (internal data). ClinVar contains an entry for this variant (Variation ID: 287050). Invitae Evidence Modeling of protein sequence and biophysical properties (such as structural, functional, and spatial information, amino acid conservation, physicochemical variation, residue mobility, and thermodynamic stability) indicates that this missense variant is not expected to disrupt CNGB1 protein function with a negative predictive value of 80%. In summary, the available evidence is currently insufficient to determine the role of this variant in disease. Therefore, it has been classified as a Variant of Uncertain Significance.

Blueprint Genetics
Classification: Uncertain significance. Last evaluated: 2024-08-06. Review status: criteria provided, single submitter. Criteria: ACMG Guidelines, 2015. Collection method: clinical testing. Allele origin: germline.

GeneDx
Classification: Uncertain significance. Last evaluated: 2019-08-12. Review status: criteria provided, single submitter. Criteria: GeneDx Variant Classification Process June 2021. Collection method: clinical testing. Allele origin: germline. Affected: yes.
Comment: In silico analysis, which includes protein predictors and evolutionary conservation, supports that this variant does not alter protein structure/function; Has not been previously published as pathogenic or benign to our knowledge

Eurofins Ntd Llc (ga)
Classification: Uncertain significance. Last evaluated: 2016-04-14. Review status: criteria provided, single submitter. Criteria: EGL Classification Definitions 2015. Collection method: clinical testing. Allele origin: germline. Observed: 1 variant allele, 1 heterozygote.

NM_001297.5(CNGB1):c.1828G>A (p.Ala610Thr)

Gene: CNGB1 (cyclic nucleotide gated channel subunit beta 1; minus strand). Cytogenetic location: 16q21.
Variant type: single nucleotide variant.
Coding change: c.1828G>A on transcript NM_001297.5 (MANE Select); coding-DNA position 1828, G replaced by A.
Protein change: p.Ala610Thr; replaces alanine 610 with threonine.
Molecular consequence: missense variant.
Genome position (GRCh38, 1-based): chr16:57,919,228, C>T on the plus strand (G>A on the coding strand, the complement: CNGB1 is on the minus strand). VCF-style: chr16-57919228-C-T. GRCh37 (hg19) VCF-style: chr16-57953132-C-T.
Other names: c.1810G>A, p.Ala604Thr (NM_001286130.2); short protein forms A610T, A604T.
Identifiers: ClinVar variation 287050 (VCV000287050.14), dbSNP rs201302946, ClinGen allele CA8083264.